The following is an entry in ClinVar:

NM_138694.4(PKHD1):c.5679G>A (p.Glu1893=)

Gene: PKHD1 (PKHD1 ciliary IPT domain containing fibrocystin/polyductin; minus strand). Cytogenetic location: 6p12.2.
Variant type: single nucleotide variant.
Coding change: c.5679G>A on transcript NM_138694.4 (MANE Select); coding-DNA position 5679, G replaced by A.
Protein change: p.Glu1893=; no amino-acid change (glutamic acid 1893 retained).
Molecular consequence: synonymous variant.
Genome position (GRCh38, 1-based): chr6:52,010,381, C>T on the plus strand (G>A on the coding strand, the complement: PKHD1 is on the minus strand). VCF-style: chr6-52010381-C-T. GRCh37 (hg19) VCF-style: chr6-51875179-C-T.
Other names: c.5679G>A, p.Glu1893= (NM_170724.3); c.5679G>A (NM_138694.3).
Identifiers: ClinVar variation 2733100 (VCV002733100.4), dbSNP rs2538114522, ClinGen allele CA450417400.

ClinVar aggregate classification (germline): Conflicting classifications of pathogenicity. Review status: criteria provided, conflicting classifications (1 of 4 stars). 2 submissions from 2 submitters: Uncertain significance (1); Likely benign (1). Last evaluated 2024-09-10.

Conditions:
Autosomal recessive polycystic kidney disease (ARPKD). Also called: AR polycystic kidney disease. Identifiers: Orphanet 731, Orphanet 8378, MedGen C0085548, MeSH D017044, MONDO:0009889.

Submissions (2):

GeneDx
Classification: Uncertain significance. Last evaluated: 2024-09-10. Review status: criteria provided, single submitter. Criteria: GeneDx Variant Classification Process June 2021. Collection method: clinical testing. Allele origin: germline. Affected: yes.
Comment: Not observed at significant frequency in large population cohorts (gnomAD); In silico analysis indicates that this variant does not alter splicing; Has not been previously published as pathogenic or benign to our knowledge

Labcorp Genetics (formerly Invitae), Labcorp
Classification: Likely benign for Autosomal recessive polycystic kidney disease. Last evaluated: 2024-02-11. Review status: criteria provided, single submitter. Criteria: Invitae Variant Classification Sherloc (09022015). Collection method: clinical testing. Allele origin: germline.